The following is an entry in ClinVar:

NM_052844.4(DYNC2I2):c.569C>T (p.Thr190Met)

Gene: DYNC2I2 (dynein 2 intermediate chain 2; minus strand). Cytogenetic location: 9q34.11.
Variant type: single nucleotide variant.
Coding change: c.569C>T on transcript NM_052844.4 (MANE Select); coding-DNA position 569, C replaced by T.
Protein change: p.Thr190Met; replaces threonine 190 with methionine.
Molecular consequence: missense variant.
Genome position (GRCh38, 1-based): chr9:128,636,415, G>A on the plus strand (C>T on the coding strand, the complement: DYNC2I2 is on the minus strand). VCF-style: chr9-128636415-G-A. GRCh37 (hg19) VCF-style: chr9-131398694-G-A.
Other names: short protein forms T190M.
Identifiers: ClinVar variation 771253 (VCV000771253.13), dbSNP rs142859913, ClinGen allele CA5266561.
Genomic context (GRCh38, chr9:128,636,415, plus strand): 5'-GGCTGCTGGGGACGCAGGTCTCGCCGGTCCAGGTTCCAGGCACACACGAAGGACTTAAGC[G>A]TGCTCCAGTCCCCATGGTCCAGCCTGTGCAGGGACAGGCTTGAGCCGGCTGTGCCCCTGG-3'
Protein context (NP_443076.2, residues 180-200): YGRLDHGDWS[Thr190Met]LKSFVCAWNL

ClinVar aggregate classification (germline): Conflicting classifications of pathogenicity. Review status: criteria provided, conflicting classifications (1 of 4 stars). 3 submissions from 3 submitters: Uncertain significance (1); Likely benign (2). Last evaluated 2025-11-19.

Conditions:
DYNC2I2-related disorder. Also called: DYNC2I2-related condition.
Short-rib thoracic dysplasia 11 with or without polydactyly (SRTD11). Also called: SHORT-RIB THORACIC DYSPLASIA 11 WITHOUT POLYDACTYLY. Identifiers: Orphanet 474, Orphanet 93271, MedGen C3810200, MONDO:0014287, OMIM 615633.

Allele frequency attached by ClinVar (database versions not stated): 1000 Genomes Project 30x 0.00047; gnomAD 0.00086; TOPMed 0.00095; ESP Exome Variant Server 0.00108; 1000 Genomes Project 0.00020; gnomAD exomes 0.00020; ExAC 0.00030.
gnomAD v4.1: 230 of 1,608,288 alleles (0.014%); highest among the groups gnomAD compares: African/African-American, 0.27%; no homozygotes.

Submissions (3):

Labcorp Genetics (formerly Invitae), Labcorp
Classification: Likely benign for Short-rib thoracic dysplasia 11 with or without polydactyly. Last evaluated: 2025-11-19. Review status: criteria provided, single submitter. Criteria: Invitae Variant Classification Sherloc (09022015). Collection method: clinical testing. Allele origin: germline.

PreventionGenetics, part of Exact Sciences
Classification: Likely benign for DYNC2I2-related condition. Last evaluated: 2025-07-18. Review status: criteria provided, single submitter. Criteria: ACMG Guidelines, 2015. Collection method: clinical testing. Allele origin: germline.
Comment: This variant is classified as likely benign based on ACMG/AMP sequence variant interpretation guidelines (Richards et al. 2015 PMID: 25741868, with internal and published modifications).

Revvity Omics, Revvity
Classification: Uncertain significance for Short-rib thoracic dysplasia 11 with or without polydactyly. Last evaluated: 2025-04-08. Review status: criteria provided, single submitter. Criteria: ACMG Guidelines, 2015. Collection method: clinical testing. Allele origin: germline.